The following is an entry in ClinVar:

NM_002968.3(SALL1):c.2798_2803dup (p.Asn933_Ser934dup)

Gene: SALL1 (spalt like transcription factor 1; minus strand). Cytogenetic location: 16q12.1.
Variant type: Duplication.
Coding change: c.2798_2803dup on transcript NM_002968.3 (MANE Select); coding-DNA positions 2798 to 2803, 6 bases duplicated (ACAGCA; older notation c.2798_2803dupACAGCA).
Protein change: p.Asn933_Ser934dup.
Molecular consequence: inframe insertion.
Genome position (GRCh38, 1-based): chr16:51,139,419-51,139,424, TGCTGT duplicated on the plus strand (ACAGCA on the coding strand, the reverse complement: SALL1 is on the minus strand); duplicating any 6 consecutive bases within chr16:51,139,419-51,139,426 gives the same sequence; the c. name uses the placement nearest the transcript's 3' end. VCF-style (leftmost placement, unchanged base first): chr16-51139418-G-GTGCTGT. GRCh37 (hg19) VCF-style: chr16-51173329-G-GTGCTGT.
Other names: c.2507_2512dup, p.Asn836_Ser837dup (NM_001127892.2); c.2798_2803dup6 (NM_002968.2).
Identifiers: ClinVar variation 723439 (VCV000723439.9), dbSNP rs760807997, ClinGen allele CA8053037.

ClinVar aggregate classification (germline): Likely benign. Review status: criteria provided, single submitter (1 of 4 stars). 2 submissions from 2 submitters: Likely benign (1). 1 of the submissions does not count toward it. Last evaluated 2025-10-27.

Conditions:
SALL1-related disorder. Also called: SALL1-related condition.
Townes syndrome (TBS). Also called: Townes-Brocks syndrome. Identifiers: Orphanet 857, MedGen C0265246, MeSH C536974, MONDO:0007142.

Submissions (2):

Labcorp Genetics (formerly Invitae), Labcorp
Classification: Likely benign for Townes syndrome. Last evaluated: 2025-10-27. Review status: criteria provided, single submitter. Criteria: Invitae Variant Classification Sherloc (09022015). Collection method: clinical testing. Allele origin: germline.

PreventionGenetics, part of Exact Sciences
Classification: Likely benign for SALL1-related condition. Last evaluated: 2024-09-23. Review status: no assertion criteria provided. Collection method: clinical testing. Allele origin: germline. Not counted in ClinVar's aggregate classification.
Comment: This variant is classified as likely benign based on ACMG/AMP sequence variant interpretation guidelines (Richards et al. 2015 PMID: 25741868, with internal and published modifications).